The following is an entry in ClinVar:

ClinVar aggregate classification (germline): Benign/Likely benign. Review status: criteria provided, multiple submitters, no conflicts (2 of 4 stars). 3 submissions from 3 submitters: Benign (1); Likely benign (1). 1 of the submissions does not count toward it. Last evaluated 2025-08-21.

Conditions:
Hypertrophic cardiomyopathy. Also called: HYPERTROPHIC MYOCARDIOPATHY. Identifiers: Orphanet 217569, MedGen C0007194, MeSH D002312, MONDO:0005045, HP:0001639.
MYOM1-related disorder.

Allele frequency attached by ClinVar (database versions not stated): TOPMed 0.00001; gnomAD 0.00003; gnomAD exomes 0.00008 and 0.00026; ExAC 0.00036; 1000 Genomes Project 30x 0.00062; 1000 Genomes Project 0.00080.
gnomAD v4.1: 143 of 1,613,866 alleles (0.0089%); highest among the groups gnomAD compares: South Asian, 0.13%; no homozygotes.

Submissions (3):

Labcorp Genetics (formerly Invitae), Labcorp
Classification: Benign for Hypertrophic cardiomyopathy. Last evaluated: 2025-08-21. Review status: criteria provided, single submitter. Criteria: Invitae Variant Classification Sherloc (09022015). Collection method: clinical testing. Allele origin: germline.

Ambry Genetics
Classification: Likely benign. Last evaluated: 2025-06-10. Review status: criteria provided, single submitter. Criteria: Ambry Variant Classification Scheme 2023. Collection method: clinical testing. Allele origin: germline.

PreventionGenetics, part of Exact Sciences
Classification: Likely benign for MYOM1-related condition. Last evaluated: 2019-04-10. Review status: no assertion criteria provided. Collection method: clinical testing. Allele origin: germline. Not counted in ClinVar's aggregate classification.
Comment: This variant is classified as likely benign based on ACMG/AMP sequence variant interpretation guidelines (Richards et al. 2015 PMID: 25741868, with internal and published modifications).

NM_003803.4(MYOM1):c.3999C>T (p.Leu1333=)

Gene: MYOM1 (myomesin 1; minus strand). Cytogenetic location: 18p11.31.
Variant type: single nucleotide variant.
Coding change: c.3999C>T on transcript NM_003803.4 (MANE Select); coding-DNA position 3999, C replaced by T.
Protein change: p.Leu1333=; no amino-acid change (leucine 1333 retained).
Molecular consequence: synonymous variant.
Genome position (GRCh38, 1-based): chr18:3,090,668, G>A on the plus strand (C>T on the coding strand, the complement: MYOM1 is on the minus strand). VCF-style: chr18-3090668-G-A. GRCh37 (hg19) VCF-style: chr18-3090666-G-A.
Other names: c.3711C>T, p.Leu1237= (NM_019856.2); c.3999C>T (NM_003803.3).
Identifiers: ClinVar variation 1563550 (VCV001563550.11), dbSNP rs572955495, ClinGen allele CA8874108.